The following is an entry in ClinVar:

NM_020964.3(EPG5):c.1820C>T (p.Pro607Leu)

Gene: EPG5 (ectopic P-granules 5 autophagy tethering factor; minus strand). Cytogenetic location: 18q21.1.
Variant type: single nucleotide variant.
Coding change: c.1820C>T on transcript NM_020964.3 (MANE Select); coding-DNA position 1820, C replaced by T.
Protein change: p.Pro607Leu; replaces proline 607 with leucine.
Molecular consequence: missense variant.
Genome position (GRCh38, 1-based): chr18:45,943,284, G>A on the plus strand (C>T on the coding strand, the complement: EPG5 is on the minus strand). VCF-style: chr18-45943284-G-A. GRCh37 (hg19) VCF-style: chr18-43523250-G-A.
Other names: c.1820C>T, p.Pro607Leu (LRG_1234t1); short protein forms P607L.
Identifiers: ClinVar variation 565558 (VCV000565558.9), dbSNP rs760748113, ClinGen allele CA8949595.

ClinVar aggregate classification (germline): Uncertain significance. Review status: criteria provided, multiple submitters, no conflicts (2 of 4 stars). 2 submissions from 2 submitters: Uncertain significance (2). Last evaluated 2022-07-05.

Conditions:
Vici syndrome (VICIS). Identifiers: Orphanet 1493, MedGen C1855772, MONDO:0009452, OMIM 242840.

Allele frequency attached by ClinVar (database versions not stated): ExAC 0.00004; gnomAD 0.00005 and 0.00006; TOPMed 0.00008.
gnomAD v4.1: 80 of 1,613,806 alleles (0.005%); highest among the groups gnomAD compares: Non-Finnish European, 0.0063%; no homozygotes.

Submissions (2):

Labcorp Genetics (formerly Invitae), Labcorp
Classification: Uncertain significance for Vici syndrome. Last evaluated: 2022-07-05. Review status: criteria provided, single submitter. Criteria: Invitae Variant Classification Sherloc (09022015). Collection method: clinical testing. Allele origin: germline.
Comment: This sequence change replaces proline, which is neutral and non-polar, with leucine, which is neutral and non-polar, at codon 607 of the EPG5 protein (p.Pro607Leu). This variant is present in population databases (rs760748113, gnomAD 0.007%). This variant has not been reported in the literature in individuals affected with EPG5-related conditions. ClinVar contains an entry for this variant (Variation ID: 565558). Algorithms developed to predict the effect of missense changes on protein structure and function are either unavailable or do not agree on the potential impact of this missense change (SIFT: "Tolerated"; PolyPhen-2: "Probably Damaging"; Align-GVGD: "Class C0"). In summary, the available evidence is currently insufficient to determine the role of this variant in disease. Therefore, it has been classified as a Variant of Uncertain Significance.

Baylor Genetics
Classification: Uncertain significance for Vici syndrome. Last evaluated: 2018-06-28. Review status: criteria provided, single submitter. Criteria: ACMG Guidelines, 2015. Collection method: clinical testing. Allele origin: paternal. Affected: yes.
Comment: This variant was determined to be of uncertain significance according to ACMG Guidelines, 2015 [PMID:25741868].